The following is an entry in ClinVar:

NM_152564.5(VPS13B):c.536A>G (p.Tyr179Cys)

Gene: VPS13B (vacuolar protein sorting 13 homolog B; plus strand). Cytogenetic location: 8q22.2.
Variant type: single nucleotide variant.
Coding change: c.536A>G on transcript NM_152564.5 (MANE Select); coding-DNA position 536, A replaced by G.
Protein change: p.Tyr179Cys; replaces tyrosine 179 with cysteine.
Molecular consequence: missense variant. On other transcripts: non-coding transcript variant (1).
Genome position (GRCh38, 1-based): chr8:99,103,076, A>G. VCF-style: chr8-99103076-A-G. GRCh37 (hg19) VCF-style: chr8-100115304-A-G.
Other names: c.536A>G, p.Tyr179Cys (NM_015243.3, NM_017890.5, NM_181661.3); short protein forms Y179C.
Identifiers: ClinVar variation 4992694 (VCV004992694.1).
Genomic context (GRCh38, chr8:99,103,076, plus strand): 5'-TACTAAAATATGTTGAAGATGATATCGTCCTTTCCGTCAATATCACTTCTGCAGAATGTT[A>G]TACAGTAGGTGAATTATGGGATCGTGCATTCATGGATATTTCTGGTGAGTAAATATGGAG-3'
Protein context (NP_689777.3, residues 169-189): LSVNITSAEC[Tyr179Cys]TVGELWDRAF

ClinVar aggregate classification (germline): Uncertain significance (1 of 4 stars; one submission).

Conditions:
VPS13B-related disorder. Also called: VPS13B-related condition.

gnomAD v4.1: 1 of 1,614,058 alleles (0.000062%); highest among the groups gnomAD compares: Non-Finnish European, 0.000085%; no homozygotes.

Submission:

PreventionGenetics, part of Exact Sciences
Classification: Uncertain significance for VPS13B-related condition. Last evaluated: 2025-12-23. Review status: criteria provided, single submitter. Criteria: ACMG Guidelines, 2015. Collection method: clinical testing. Allele origin: germline.
Comment: The VPS13B c.536A>G variant is predicted to result in the amino acid substitution p.Tyr179Cys. To our knowledge, this variant has not been reported in the literature or in a large population database (gnomAD), indicating this variant is rare. At this time, the clinical significance of this variant is uncertain due to the absence of conclusive functional and genetic evidence.